The following is an entry in ClinVar:

NM_001145128.3(AK9):c.2747_2751+1dupAAGAGG

Gene: AK9 (adenylate kinase 9; minus strand). Cytogenetic location: 6q21.
Variant type: Microsatellite.
Coding change: c.2747_2751+1dupAAGAGG on transcript NM_001145128.3 (MANE Select); coding-DNA position 2747 through the canonical splice donor site of the intron after coding-DNA position 2751, 6 bases duplicated (AAGAGG).
Molecular consequence: splice donor variant.
Genome position (GRCh38, 1-based): chr6:109,563,596-109,563,601, CCTCTT duplicated on the plus strand (AAGAGG on the coding strand, the reverse complement: AK9 is on the minus strand); duplicating any 6 consecutive bases within chr6:109,563,596-109,563,618 gives the same sequence; the c. name uses the placement nearest the transcript's 3' end. VCF-style (leftmost placement, unchanged base first): chr6-109563595-G-GCCTCTT. GRCh37 (hg19) VCF-style: chr6-109884798-G-GCCTCTT.
Identifiers: ClinVar variation 4849301 (VCV004849301.1).
Genomic context (GRCh38, chr6:109,563,595, plus strand): 5'-TCTTATTTGCATATTTTCAATGACTTCACAAATGAGAATGAGTAGAAATAAAAGAATCAT[G>GCCTCTT]CCTCTTCCTCTTCCTCTTCCTCTAGCTCCTCATCAACCTCTGCTTCAGTCTGGTAGTCTT-3'

ClinVar aggregate classification (germline): Likely pathogenic (1 of 4 stars; one submission).

Conditions:
Spermatogenic failure 89 (SPGF89). Identifiers: MedGen C5882752, MONDO:0958206, OMIM 620705.

Submission:

First Genomix Gene Laboratory, Genetic Diagnostics Department
Classification: Likely pathogenic for Spermatogenic failure 89. Last evaluated: 2025-06-20. Review status: criteria provided, single submitter. Criteria: ACMG Guidelines, 2015. Collection method: clinical testing. Allele origin: germline. Inheritance: Autosomal recessive inheritance. Affected: no. Observed: 1 variant allele.